The following is an entry in ClinVar:

NM_017849.4(TMEM127):c.713C>T (p.Pro238Leu)

Gene: TMEM127 (transmembrane protein 127; minus strand). Cytogenetic location: 2q11.2.
Variant type: single nucleotide variant.
Coding change: c.713C>T on transcript NM_017849.4 (MANE Select); coding-DNA position 713, C replaced by T.
Protein change: p.Pro238Leu; replaces proline 238 with leucine.
Molecular consequence: missense variant.
Genome position (GRCh38, 1-based): chr2:96,253,812, G>A on the plus strand (C>T on the coding strand, the complement: TMEM127 is on the minus strand). VCF-style: chr2-96253812-G-A. GRCh37 (hg19) VCF-style: chr2-96919550-G-A.
Other names: c.713C>T, p.Pro238Leu (NM_001193304.3); c.461C>T, p.Pro154Leu (NM_001407282.1, NM_001407283.1); short protein forms P154L, P238L.
Identifiers: ClinVar variation 2563322 (VCV002563322.3), dbSNP rs2467262465, ClinGen allele CA347650831.

ClinVar aggregate classification (germline): Uncertain significance (1 of 4 stars; one submission).

Conditions:
Hereditary cancer-predisposing syndrome. Also called: Neoplastic Syndromes, Hereditary; Hereditary Cancer Syndrome; Hereditary neoplastic syndrome; Tumor predisposition. Identifiers: Orphanet 140162, MedGen C0027672, MeSH D009386, MONDO:0015356.

Submission:

Ambry Genetics
Classification: Uncertain significance for Hereditary cancer-predisposing syndrome. Last evaluated: 2025-10-08. Review status: criteria provided, single submitter. Criteria: Ambry Variant Classification Scheme 2023. Collection method: clinical testing. Allele origin: germline.
Comment: The p.P238L variant (also known as c.713C>T), located in coding exon 3 of the TMEM127 gene, results from a C to T substitution at nucleotide position 713. The proline at codon 238 is replaced by leucine, an amino acid with similar properties. This amino acid position is highly conserved in available vertebrate species. In addition, this alteration is predicted to be deleterious by in silico analysis. Based on the available evidence, the clinical significance of this variant remains unclear.